The following is an entry in ClinVar:

NM_182931.3(KMT2E):c.1359-2A>T

Gene: KMT2E (lysine methyltransferase 2E (inactive); plus strand). Cytogenetic location: 7q22.3.
Variant type: single nucleotide variant.
Coding change: c.1359-2A>T on transcript NM_182931.3 (MANE Select); the canonical splice acceptor site of the intron before coding-DNA position 1359, A replaced by T.
Molecular consequence: splice acceptor variant.
Genome position (GRCh38, 1-based): chr7:105,090,007, A>T. VCF-style: chr7-105090007-A-T. GRCh37 (hg19) VCF-style: chr7-104730454-A-T.
Other names: c.1359-2A>T (NM_001410908.1, NM_018682.4).
Identifiers: ClinVar variation 2694255 (VCV002694255.3), dbSNP rs2536461669, ClinGen allele CA368782023.
Genomic context (GRCh38, chr7:105,090,007, plus strand): 5'-TTAGAAAATTTCCAGTTTTGTTTTATATTTTGAAATAAATATTTAACTGGTTATCTTTCC[A>T]GTAAGTACAAGGTGGACTGTGCATGCCTCAAAGAAAACCCAGAGTGCCCTGTTCTAAAAC-3'

ClinVar aggregate classification (germline): Likely pathogenic (1 of 4 stars; one submission).

Submission:

Labcorp Genetics (formerly Invitae), Labcorp
Classification: Likely pathogenic. Last evaluated: 2023-11-08. Review status: criteria provided, single submitter. Criteria: Invitae Variant Classification Sherloc (09022015). Collection method: clinical testing. Allele origin: germline.
Comment: This sequence change affects an acceptor splice site in intron 13 of the KMT2E gene. It is expected to disrupt RNA splicing. Variants that disrupt the donor or acceptor splice site typically lead to a loss of protein function (PMID: 16199547), and loss-of-function variants in KMT2E are known to be pathogenic (PMID: 31079897). This variant is not present in population databases (gnomAD no frequency). This variant has not been reported in the literature in individuals affected with KMT2E-related conditions. Algorithms developed to predict the effect of sequence changes on RNA splicing suggest that this variant may disrupt the consensus splice site. In summary, the currently available evidence indicates that the variant is pathogenic, but additional data are needed to prove that conclusively. Therefore, this variant has been classified as Likely Pathogenic.

Literature cited by the submitters: PubMed 16199547; PubMed 31079897.